The following is an entry in ClinVar:

NM_000440.3(PDE6A):c.86G>C (p.Arg29Pro)

Gene: PDE6A (phosphodiesterase 6A; minus strand). Cytogenetic location: 5q32.
Variant type: single nucleotide variant.
Coding change: c.86G>C on transcript NM_000440.3 (MANE Select); coding-DNA position 86, G replaced by C.
Protein change: p.Arg29Pro; replaces arginine 29 with proline.
Molecular consequence: missense variant.
Genome position (GRCh38, 1-based): chr5:149,944,588, C>G on the plus strand (G>C on the coding strand, the complement: PDE6A is on the minus strand). VCF-style: chr5-149944588-C-G. GRCh37 (hg19) VCF-style: chr5-149324151-C-G.
Other names: short protein forms R29P.
Identifiers: ClinVar variation 848673 (VCV000848673.7), dbSNP rs201008270, ClinGen allele CA3505149.
Genomic context (GRCh38, chr5:149,944,588, plus strand): 5'-TAGTTGCTGAAGTCCACGGCAGCCTCCTTGGCCCCAAGGAGGTCGGAGATGAGCTTGGCC[C>G]GGTAGTGGAGGTTGTAGTACTGTTTGGCAAAGCCAATATTCGAGTCCAGGAACTTCTCCA-3'
Protein context (NP_000431.2, residues 19-39): FAKQYYNLHY[Arg29Pro]AKLISDLLGA

ClinVar aggregate classification (germline): Uncertain significance. Review status: criteria provided, multiple submitters, no conflicts (2 of 4 stars). 2 submissions from 2 submitters: Uncertain significance (2). Last evaluated 2024-01-15.

Allele frequency attached by ClinVar (database versions not stated): ESP Exome Variant Server 0.00015; 1000 Genomes Project 30x 0.00016; TOPMed 0.00029.
gnomAD v4.1: 78 of 1,613,976 alleles (0.0048%); highest among the groups gnomAD compares: African/African-American, 0.083%; 1 homozygote.

Submissions (2):

Labcorp Genetics (formerly Invitae), Labcorp
Classification: Uncertain significance. Last evaluated: 2024-01-15. Review status: criteria provided, single submitter. Criteria: Invitae Variant Classification Sherloc (09022015). Collection method: clinical testing. Allele origin: germline.
Comment: This sequence change replaces arginine, which is basic and polar, with proline, which is neutral and non-polar, at codon 29 of the PDE6A protein (p.Arg29Pro). This variant is present in population databases (rs201008270, gnomAD 0.07%). This variant has not been reported in the literature in individuals affected with PDE6A-related conditions. ClinVar contains an entry for this variant (Variation ID: 848673). An algorithm developed to predict the effect of missense changes on protein structure and function (PolyPhen-2) suggests that this variant is likely to be disruptive. In summary, the available evidence is currently insufficient to determine the role of this variant in disease. Therefore, it has been classified as a Variant of Uncertain Significance.

Blueprint Genetics
Classification: Uncertain significance. Last evaluated: 2023-04-14. Review status: criteria provided, single submitter. Criteria: ACMG Guidelines, 2015. Collection method: clinical testing. Allele origin: germline.